The following is an entry in ClinVar:

NM_022168.4(IFIH1):c.2133A>G (p.Gln711=)

Gene: IFIH1 (interferon induced with helicase C domain 1; minus strand). Cytogenetic location: 2q24.2.
Variant type: single nucleotide variant.
Coding change: c.2133A>G on transcript NM_022168.4 (MANE Select); coding-DNA position 2133, A replaced by G.
Protein change: p.Gln711=; no amino-acid change (glutamine 711 retained).
Molecular consequence: synonymous variant.
Genome position (GRCh38, 1-based): chr2:162,276,858, T>C on the plus strand (A>G on the coding strand, the complement: IFIH1 is on the minus strand). VCF-style: chr2-162276858-T-C. GRCh37 (hg19) VCF-style: chr2-163133368-T-C.
Identifiers: ClinVar variation 772342 (VCV000772342.12), dbSNP rs368922101, ClinGen allele CA1934285.

ClinVar aggregate classification (germline): Likely benign. Review status: criteria provided, multiple submitters, no conflicts (2 of 4 stars). 3 submissions from 3 submitters: Likely benign (3). Last evaluated 2026-06-01.

Conditions:
Singleton-Merten syndrome 1 (SGMRT1). Also called: Widened medullary cavities of bone, aortic calcification, abnormal dentition, and muscular weakness; Syndrome of widened medullary cavities of the metacarpals and phalanges, aortic calcification and abnormal dentition. Identifiers: Orphanet 85191, MedGen C4225427, MONDO:0024535, OMIM 182250.
Aicardi-Goutieres syndrome 7 (AGS7). Identifiers: Orphanet 51, MedGen C3888244, MONDO:0014367, OMIM 615846.

Allele frequency attached by ClinVar (database versions not stated): ExAC 0.00003; gnomAD exomes 0.00004; TOPMed 0.00010; gnomAD 0.00012; 1000 Genomes Project 30x 0.00016; ESP Exome Variant Server 0.00023.
gnomAD v4.1: 77 of 1,613,872 alleles (0.0048%); highest among the groups gnomAD compares: African/African-American, 0.032%; no homozygotes.

Submissions (3):

CeGaT Center for Human Genetics Tuebingen
Classification: Likely benign. Last evaluated: 2026-06-01. Review status: criteria provided, single submitter. Criteria: CeGaT Center For Human Genetics Tuebingen Variant Classification Criteria Version 2. Collection method: clinical testing. Allele origin: germline. Affected: yes. Observed: 1 variant allele.
Comment: IFIH1: BP4, BP7

Labcorp Genetics (formerly Invitae), Labcorp
Classification: Likely benign for Aicardi-Goutieres syndrome 7; Singleton-Merten syndrome 1. Last evaluated: 2026-01-26. Review status: criteria provided, single submitter. Criteria: Invitae Variant Classification Sherloc (09022015). Collection method: clinical testing. Allele origin: germline.

Blueprint Genetics
Classification: Likely benign. Last evaluated: 2021-12-20. Review status: criteria provided, single submitter. Criteria: ACMG Guidelines, 2015. Collection method: clinical testing. Allele origin: germline.